The following is an entry in ClinVar:

ClinVar aggregate classification (germline): Uncertain significance. Review status: criteria provided, multiple submitters, no conflicts (2 of 4 stars). 2 submissions from 2 submitters: Uncertain significance (2). Last evaluated 2024-06-12.

Conditions:
Apparent mineralocorticoid excess (AME). Also called: CORTISOL 11-BETA-KETOREDUCTASE DEFICIENCY. Identifiers: Orphanet 320, MedGen C0342488, MONDO:0009025, OMIM 218030.

Allele frequency attached by ClinVar (database versions not stated): gnomAD 0.00004; ExAC 0.00009; TOPMed 0.00010.

Submissions (2):

Fulgent Genetics
Classification: Uncertain significance for Apparent mineralocorticoid excess. Last evaluated: 2024-06-12. Review status: criteria provided, single submitter. Criteria: ACMG Guidelines, 2015. Collection method: clinical testing. Allele origin: germline.

Women's Health and Genetics/Laboratory Corporation of America, LabCorp
Classification: Uncertain significance. Last evaluated: 2024-01-10. Review status: criteria provided, single submitter. Criteria: LabCorp Variant Classification Summary - May 2015. Collection method: clinical testing. Allele origin: germline.
Comment: Variant summary: HSD11B2 c.1082G>A (p.Arg361His) results in a non-conservative amino acid change in the encoded protein sequence. Three of five in-silico tools predict a damaging effect of the variant on protein function. The variant allele was found at a frequency of 8.4e-05 in 250176 control chromosomes (gnomAD). To our knowledge, no occurrence of c.1082G>A in individuals affected with Apparent Mineralocorticoid Excess and no experimental evidence demonstrating its impact on protein function have been reported. No submitters have cited clinical-significance assessments for this variant to ClinVar. Based on the evidence outlined above, the variant was classified as uncertain significance.

Literature cited by the submitters: PubMed 28199472 (cited by Women's Health and Genetics/Laboratory Corporation of America, LabCorp).

NM_000196.4(HSD11B2):c.1082G>A (p.Arg361His)

Gene: HSD11B2 (hydroxysteroid 11-beta dehydrogenase 2; plus strand). Cytogenetic location: 16q22.1.
Variant type: single nucleotide variant.
Coding change: c.1082G>A on transcript NM_000196.4 (MANE Select); coding-DNA position 1082, G replaced by A.
Protein change: p.Arg361His; replaces arginine 361 with histidine.
Molecular consequence: missense variant.
Genome position (GRCh38, 1-based): chr16:67,436,867, G>A. VCF-style: chr16-67436867-G-A. GRCh37 (hg19) VCF-style: chr16-67470770-G-A.
Other names: short protein forms R361H.
Identifiers: ClinVar variation 3063827 (VCV003063827.2), dbSNP rs768176378, ClinGen allele CA8110809.